The following is an entry in ClinVar:

ClinVar aggregate classification (germline): Uncertain significance. Review status: criteria provided, multiple submitters, no conflicts (2 of 4 stars). 2 submissions from 2 submitters: Uncertain significance (2). Last evaluated 2025-06-18.

Conditions:
Hereditary cancer-predisposing syndrome. Also called: Tumor predisposition; Neoplastic Syndromes, Hereditary; Hereditary Cancer Syndrome; Hereditary neoplastic syndrome. Identifiers: Orphanet 140162, MedGen C0027672, MeSH D009386, MONDO:0015356.
Ataxia-telangiectasia syndrome (AT). Also called: LOUIS-BAR SYNDROME; Cerebello-oculocutaneous telangiectasia; Immunodeficiency with ataxia telangiectasia; Ataxia-telangiectasia, complementation group D; AT, COMPLEMENTATION GROUP C; ATAXIA-TELANGIECTASIA, COMPLEMENTATION GROUP A. Identifiers: Orphanet 100, MedGen C0004135, MONDO:0008840, OMIM 208900.

Allele frequency attached by ClinVar (database versions not stated): TOPMed below 0.00001.

Submissions (2):

Labcorp Genetics (formerly Invitae), Labcorp
Classification: Uncertain significance for Ataxia-telangiectasia syndrome. Last evaluated: 2025-06-18. Review status: criteria provided, single submitter. Criteria: Invitae Variant Classification Sherloc (09022015). Collection method: clinical testing. Allele origin: germline.
Comment: This sequence change replaces threonine, which is neutral and polar, with alanine, which is neutral and non-polar, at codon 554 of the ATM protein (p.Thr554Ala). This variant is not present in population databases (gnomAD no frequency). This variant has not been reported in the literature in individuals affected with ATM-related conditions. ClinVar contains an entry for this variant (Variation ID: 1777477). Invitae Evidence Modeling of protein sequence and biophysical properties (such as structural, functional, and spatial information, amino acid conservation, physicochemical variation, residue mobility, and thermodynamic stability) indicates that this missense variant is not expected to disrupt ATM protein function with a negative predictive value of 95%. In summary, the available evidence is currently insufficient to determine the role of this variant in disease. Therefore, it has been classified as a Variant of Uncertain Significance.

Ambry Genetics
Classification: Uncertain significance for Hereditary cancer-predisposing syndrome. Last evaluated: 2025-05-29. Review status: criteria provided, single submitter. Criteria: Ambry Variant Classification Scheme 2023. Collection method: clinical testing. Allele origin: germline.
Comment: The p.T554A variant (also known as c.1660A>G), located in coding exon 10 of the ATM gene, results from an A to G substitution at nucleotide position 1660. The threonine at codon 554 is replaced by alanine, an amino acid with similar properties. This amino acid position is not well conserved in available vertebrate species. In addition, this alteration is predicted to be tolerated by in silico analysis. Since supporting evidence is limited at this time, the clinical significance of this alteration remains unclear.

NM_000051.4(ATM):c.1660A>G (p.Thr554Ala)

Gene: ATM (ATM serine/threonine kinase; plus strand). Cytogenetic location: 11q22.3.
Variant type: single nucleotide variant.
Coding change: c.1660A>G on transcript NM_000051.4 (MANE Select); coding-DNA position 1660, A replaced by G.
Protein change: p.Thr554Ala; replaces threonine 554 with alanine.
Molecular consequence: missense variant.
Genome position (GRCh38, 1-based): chr11:108,251,889, A>G. VCF-style: chr11-108251889-A-G. GRCh37 (hg19) VCF-style: chr11-108122616-A-G.
Other names: c.1660A>G, p.Thr554Ala (NM_001351834.2); short protein forms T554A.
Identifiers: ClinVar variation 1777477 (VCV001777477.5), dbSNP rs1060788, ClinGen allele CA228391775.
Genomic context (GRCh38, chr11:108,251,889, plus strand): 5'-TGTTATAGTCCTGCAGTATGCTGTTTGACTTTGGCACTGACCACCAGTATAGTTCCAGGA[A>G]CGGTAAAAATGGGAATAGAGCAAAATATGTGTGAAGTAAATAGAAGCTTTTCTTTAAAGG-3'
Protein context (NP_000042.3, residues 544-564): LALTTSIVPG[Thr554Ala]VKMGIEQNMC